The following is an entry in ClinVar:

ClinVar aggregate classification (germline): Likely benign (1 of 4 stars; one submission).

Allele frequency attached by ClinVar (database versions not stated): gnomAD exomes 0.00048; gnomAD 0.00449 and 0.00481; 1000 Genomes Project 0.00519; TOPMed 0.00522; 1000 Genomes Project 30x 0.00593.
gnomAD v4.1: 976 of 697,364 alleles (0.14%); highest among the groups gnomAD compares: African/African-American, 1.5%; 14 homozygotes.

Submission:

GeneDx
Classification: Likely benign. Last evaluated: 2018-06-14. Review status: criteria provided, single submitter. Criteria: GeneDx Variant Classification (06012015). Collection method: clinical testing. Allele origin: germline. Affected: yes.
Comment: This variant is considered likely benign or benign based on one or more of the following criteria: it is a conservative change, it occurs at a poorly conserved position in the protein, it is predicted to be benign by multiple in silico algorithms, and/or has population frequency not consistent with disease.

NM_020320.5(RARS2):c.1036-136T>C

Gene: RARS2 (arginyl-tRNA synthetase 2, mitochondrial; minus strand). Cytogenetic location: 6q15.
Variant type: single nucleotide variant.
Coding change: c.1036-136T>C on transcript NM_020320.5 (MANE Select); 136 bases into the intron before coding-DNA position 1036, T replaced by C.
Molecular consequence: intron variant.
Genome position (GRCh38, 1-based): chr6:87,520,392, A>G on the plus strand (T>C on the coding strand, the complement: RARS2 is on the minus strand). VCF-style: chr6-87520392-A-G. GRCh37 (hg19) VCF-style: chr6-88230110-A-G.
Other names: c.1036-136T>C (NM_001350505.2); c.511-136T>C (NM_001350509.2, NM_001318785.2, NM_001350506.2 and 4 more transcripts).
Identifiers: ClinVar variation 677742 (VCV000677742.1), dbSNP rs112170203, ClinGen allele CA142841512.